The following is an entry in ClinVar:

NM_018713.3(SLC30A10):c.1408C>A (p.Leu470Ile)

Gene: SLC30A10 (solute carrier family 30 member 10; minus strand). Cytogenetic location: 1q41.
Variant type: single nucleotide variant.
Coding change: c.1408C>A on transcript NM_018713.3 (MANE Select); coding-DNA position 1408, C replaced by A.
Protein change: p.Leu470Ile; replaces leucine 470 with isoleucine.
Molecular consequence: missense variant. On other transcripts: non-coding transcript variant (2).
Genome position (GRCh38, 1-based): chr1:219,915,499, G>T on the plus strand (C>A on the coding strand, the complement: SLC30A10 is on the minus strand). VCF-style: chr1-219915499-G-T. GRCh37 (hg19) VCF-style: chr1-220088841-G-T.
Other names: c.1219C>A, p.Leu407Ile (NM_001376929.1); c.1408C>A (NM_018713.2); short protein forms L470I, L407I.
Identifiers: ClinVar variation 2163857 (VCV002163857.2), dbSNP rs149443882, ClinGen allele CA1399110.
Genomic context (GRCh38, chr1:219,915,499, plus strand): 5'-GAGTACCAGATTAAAAATGCGTTCTGTTGACATAACATTGGTCCTCCTGAGTTTTGTTAA[G>T]ACTTTGTCCGTGGTCACTCAGACAGCTATCCAAAGACACTTCAATAGCCACTTCTCTTGC-3'
Protein context (NP_061183.2, residues 460-480): DSCLSDHGQS[Leu470Ile]NKTQEDQCYV

ClinVar aggregate classification (germline): Uncertain significance. Review status: criteria provided, multiple submitters, no conflicts (2 of 4 stars). 2 submissions from 2 submitters: Uncertain significance (2). Last evaluated 2022-08-06.

Conditions:
Inborn genetic diseases. Identifiers: MedGen C0950123, MeSH D030342.

Allele frequency attached by ClinVar (database versions not stated): ExAC 0.00001; gnomAD 0.00002; TOPMed 0.00003; ESP Exome Variant Server 0.00015.
gnomAD v4.1: 11 of 1,614,070 alleles (0.00068%); highest among the groups gnomAD compares: African/African-American, 0.0027%; no homozygotes.

Submissions (2):

Labcorp Genetics (formerly Invitae), Labcorp
Classification: Uncertain significance. Last evaluated: 2022-08-06. Review status: criteria provided, single submitter. Criteria: Invitae Variant Classification Sherloc (09022015). Collection method: clinical testing. Allele origin: germline.
Comment: This sequence change replaces leucine, which is neutral and non-polar, with isoleucine, which is neutral and non-polar, at codon 470 of the SLC30A10 protein (p.Leu470Ile). This variant is present in population databases (rs149443882, gnomAD 0.0009%). This variant has not been reported in the literature in individuals affected with SLC30A10-related conditions. Algorithms developed to predict the effect of missense changes on protein structure and function (SIFT, PolyPhen-2, Align-GVGD) all suggest that this variant is likely to be tolerated. In summary, the available evidence is currently insufficient to determine the role of this variant in disease. Therefore, it has been classified as a Variant of Uncertain Significance.

Ambry Genetics
Classification: Uncertain significance for Inborn genetic diseases. Last evaluated: 2021-10-12. Review status: criteria provided, single submitter. Criteria: Ambry Variant Classification Scheme 2023. Collection method: clinical testing. Allele origin: germline.